The following is an entry in ClinVar:

ClinVar aggregate classification (germline): Uncertain significance. Review status: criteria provided, multiple submitters, no conflicts (2 of 4 stars). 2 submissions from 2 submitters: Uncertain significance (2). Last evaluated 2026-01-21.

Conditions:
Baller-Gerold syndrome (BGS). Also called: CRANIOSYNOSTOSIS WITH RADIAL DEFECTS. Identifiers: Orphanet 1225, MedGen C0265308, MONDO:0009039, OMIM 218600.

Allele frequency attached by ClinVar (database versions not stated): TOPMed below 0.00001.

Submissions (2):

Labcorp Genetics (formerly Invitae), Labcorp
Classification: Uncertain significance for Baller-Gerold syndrome. Last evaluated: 2026-01-21. Review status: criteria provided, single submitter. Criteria: Invitae Variant Classification Sherloc (09022015). Collection method: clinical testing. Allele origin: germline.
Comment: This sequence change replaces proline, which is neutral and non-polar, with leucine, which is neutral and non-polar, at codon 597 of the RECQL4 protein (p.Pro597Leu). This variant is not present in population databases (gnomAD no frequency). This variant has not been reported in the literature in individuals affected with RECQL4-related conditions. ClinVar contains an entry for this variant (Variation ID: 656850). Invitae Evidence Modeling of protein sequence and biophysical properties (such as structural, functional, and spatial information, amino acid conservation, physicochemical variation, residue mobility, and thermodynamic stability) indicates that this missense variant is expected to disrupt RECQL4 protein function with a positive predictive value of 80%. In summary, the available evidence is currently insufficient to determine the role of this variant in disease. Therefore, it has been classified as a Variant of Uncertain Significance.

Institute for Clinical Genetics, University Hospital TU Dresden, University Hospital TU Dresden
Classification: Uncertain significance. Last evaluated: 2021-11-03. Review status: criteria provided, single submitter. Criteria: ACMG Guidelines, 2015. Collection method: clinical testing. Allele origin: germline.

NM_004260.4(RECQL4):c.1790C>T (p.Pro597Leu)

Gene: RECQL4 (RecQ like helicase 4; minus strand). Cytogenetic location: 8q24.3.
Variant type: single nucleotide variant.
Coding change: c.1790C>T on transcript NM_004260.4 (MANE Select); coding-DNA position 1790, C replaced by T.
Protein change: p.Pro597Leu; replaces proline 597 with leucine.
Molecular consequence: missense variant.
Genome position (GRCh38, 1-based): chr8:144,514,277, G>A on the plus strand (C>T on the coding strand, the complement: RECQL4 is on the minus strand). VCF-style: chr8-144514277-G-A. GRCh37 (hg19) VCF-style: chr8-145739661-G-A.
Other names: short protein forms P597L.
Identifiers: ClinVar variation 656850 (VCV000656850.9), dbSNP rs1586810446, ClinGen allele CA372680923.
Genomic context (GRCh38, chr8:144,514,277, plus strand): 5'-AAGTTGTGGGACCACTGGGAGAGGCAGTGGGCCTCATCAATGCAGGCAAAAGCAACTGGA[G>A]GCAGCTGTGCGGCTGGAGGGAGGCCTCCCGCCCCCACCAGTGCCTCAGGTGTCAGCATCA-3'
Protein context (NP_004251.4, residues 587-607): AGGLPPAAQL[Pro597Leu]PVAFACIDEA